The following is an entry in ClinVar:

ClinVar aggregate classification (germline): Conflicting classifications of pathogenicity. Review status: criteria provided, conflicting classifications (1 of 4 stars). 3 submissions from 3 submitters: Uncertain significance (1); Likely benign (1). 1 of the submissions does not count toward it. Last evaluated 2025-09-21.

Conditions:
Hajdu-Cheney syndrome (HJCYS). Also called: ACROOSTEOLYSIS WITH OSTEOPOROSIS AND CHANGES IN SKULL AND MANDIBLE; SERPENTINE FIBULA-POLYCYSTIC KIDNEY SYNDROME; Acroosteolysis dominant type. Identifiers: Orphanet 955, MedGen C0917715, MONDO:0007057, OMIM 102500.
NOTCH2-related disorder. Also called: NOTCH2-related condition.

Allele frequency attached by ClinVar (database versions not stated): gnomAD exomes 0.00001 and 0.00003; ExAC 0.00004; TOPMed 0.00006; gnomAD 0.00013; 1000 Genomes Project 30x 0.00031; 1000 Genomes Project 0.00040.
gnomAD v4.1: 36 of 1,614,180 alleles (0.0022%); highest among the groups gnomAD compares: African/African-American, 0.033%; no homozygotes.

Submissions (3):

Labcorp Genetics (formerly Invitae), Labcorp
Classification: Likely benign for Hajdu-Cheney syndrome. Last evaluated: 2025-09-21. Review status: criteria provided, single submitter. Criteria: Invitae Variant Classification Sherloc (09022015). Collection method: clinical testing. Allele origin: germline.

Eurofins Ntd Llc (ga)
Classification: Uncertain significance. Last evaluated: 2018-03-02. Review status: criteria provided, single submitter. Criteria: EGL ClinVar v180209 classification definitions. Collection method: clinical testing. Allele origin: germline. Observed: 2 variant alleles, 2 heterozygotes.

PreventionGenetics, part of Exact Sciences
Classification: Likely benign for NOTCH2-related condition. Last evaluated: 2019-07-30. Review status: no assertion criteria provided. Collection method: clinical testing. Allele origin: germline. Not counted in ClinVar's aggregate classification.
Comment: This variant is classified as likely benign based on ACMG/AMP sequence variant interpretation guidelines (Richards et al. 2015 PMID: 25741868, with internal and published modifications).

NM_024408.4(NOTCH2):c.4929G>A (p.Thr1643=)

Gene: NOTCH2 (notch receptor 2; minus strand). Cytogenetic location: 1p12.
Variant type: single nucleotide variant.
Coding change: c.4929G>A on transcript NM_024408.4 (MANE Select); coding-DNA position 4929, G replaced by A.
Protein change: p.Thr1643=; no amino-acid change (threonine 1643 retained).
Molecular consequence: synonymous variant.
Genome position (GRCh38, 1-based): chr1:119,922,709, C>T on the plus strand (G>A on the coding strand, the complement: NOTCH2 is on the minus strand). VCF-style: chr1-119922709-C-T. GRCh37 (hg19) VCF-style: chr1-120465332-C-T.
Other names: c.4929G>A (NM_024408.3).
Identifiers: ClinVar variation 500754 (VCV000500754.15), dbSNP rs587697719, ClinGen allele CA1039768.